The following is an entry in ClinVar:

ClinVar aggregate classification (germline): Pathogenic (1 of 4 stars; one submission).

Conditions:
Imerslund-Grasbeck syndrome. Also called: PERNICIOUS ANEMIA, JUVENILE, DUE TO SELECTIVE INTESTINAL MALABSORPTION OF VITAMIN B12, WITH PROTEINURIA; Megaloblastic anemia due to inborn errors of metabolism; Imerslund-Gräsbeck syndrome; ENTEROCYTE COBALAMIN MALABSORPTION; ENTEROCYTE INTRINSIC FACTOR RECEPTOR, DEFECT OF. Identifiers: Orphanet 35858, MedGen C4551825, MONDO:0009853.

Submission:

Labcorp Genetics (formerly Invitae), Labcorp
Classification: Pathogenic for Imerslund-Grasbeck syndrome. Last evaluated: 2022-03-01. Review status: criteria provided, single submitter. Criteria: Invitae Variant Classification Sherloc (09022015). Collection method: clinical testing. Allele origin: germline.
Comment: For these reasons, this variant has been classified as Pathogenic. This variant has not been reported in the literature in individuals affected with CUBN-related conditions. This variant is not present in population databases (gnomAD no frequency). This sequence change creates a premature translational stop signal (p.Asp265Glufs*44) in the CUBN gene. It is expected to result in an absent or disrupted protein product. Loss-of-function variants in CUBN are known to be pathogenic (PMID: 15024727, 22929189).

Literature cited by the submitters: PubMed 15024727; PubMed 22929189.

NM_001081.4(CUBN):c.794dup (p.Asp265fs)

Gene: CUBN (cubilin; minus strand). Cytogenetic location: 10p13.
Variant type: Duplication.
Coding change: c.794dup on transcript NM_001081.4 (MANE Select); coding-DNA position 794, one base duplicated (A; older notation c.794dupA).
Protein change: p.Asp265fs; shifts the reading frame from aspartic acid 265.
Molecular consequence: frameshift variant.
Genome position (GRCh38, 1-based): chr10:17,114,116, T duplicated on the plus strand (A on the coding strand, the reverse complement: CUBN is on the minus strand). VCF-style (leftmost placement, unchanged base first): chr10-17114115-G-GT. GRCh37 (hg19) VCF-style: chr10-17156114-G-GT.
Other names: short protein forms D265fs.
Identifiers: ClinVar variation 2104999 (VCV002104999.4), dbSNP rs2492100438, ClinGen allele CA2580081373.